The following is an entry in ClinVar:

NM_001953.5(TYMP):c.516+168G>T

Gene: TYMP (thymidine phosphorylase; minus strand). Cytogenetic location: 22q13.33.
Variant type: single nucleotide variant.
Coding change: c.516+168G>T on transcript NM_001953.5 (MANE Select); 168 bases into the intron after coding-DNA position 516, G replaced by T.
Molecular consequence: intron variant.
Genome position (GRCh38, 1-based): chr22:50,528,344, C>A on the plus strand (G>T on the coding strand, the complement: TYMP is on the minus strand). VCF-style: chr22-50528344-C-A. GRCh37 (hg19) VCF-style: chr22-50966773-C-A.
Other names: c.516+168G>T (NM_001257989.1, NM_001257988.1, NM_001113755.3 and 1 more transcripts).
Identifiers: ClinVar variation 674439 (VCV000674439.2), dbSNP rs77427356, ClinGen allele CA325563546.

ClinVar aggregate classification (germline): Benign. Review status: criteria provided, multiple submitters, no conflicts (2 of 4 stars). 2 submissions from 2 submitters: Benign (2). Last evaluated 2018-06-14.

Allele frequency attached by ClinVar (database versions not stated): gnomAD exomes 0.00410; gnomAD 0.02864 and 0.03062; 1000 Genomes Project 0.03055; 1000 Genomes Project 30x 0.03154; TOPMed 0.03215.
gnomAD v4.1: 6,743 of 702,676 alleles (0.96%); highest among the groups gnomAD compares: African/African-American, 9.5%; 266 homozygotes.

Submissions (2):

GeneDx
Classification: Benign. Last evaluated: 2018-06-14. Review status: criteria provided, single submitter. Criteria: GeneDx Variant Classification (06012015). Collection method: clinical testing. Allele origin: germline. Affected: yes.
Comment: This variant is considered likely benign or benign based on one or more of the following criteria: it is a conservative change, it occurs at a poorly conserved position in the protein, it is predicted to be benign by multiple in silico algorithms, and/or has population frequency not consistent with disease.

Breakthrough Genomics
Classification: Benign. Review status: criteria provided, single submitter. Criteria: ACMG Guidelines, 2015. Collection method: not provided. Allele origin: germline. Inheritance: Autosomal recessive inheritance. Affected: yes.